The following is an entry in ClinVar:

ClinVar aggregate classification (germline): Uncertain significance (1 of 4 stars; one submission).

Allele frequency attached by ClinVar (database versions not stated): gnomAD exomes below 0.00001 and 0.00001.
gnomAD v4.1: 14 of 1,614,146 alleles (0.00087%); highest among the groups gnomAD compares: Middle Eastern, 0.15%; no homozygotes.

Submission:

Labcorp Genetics (formerly Invitae), Labcorp
Classification: Uncertain significance. Last evaluated: 2023-12-11. Review status: criteria provided, single submitter. Criteria: Invitae Variant Classification Sherloc (09022015). Collection method: clinical testing. Allele origin: germline.
Comment: This sequence change replaces serine, which is neutral and polar, with leucine, which is neutral and non-polar, at codon 1175 of the PCARE protein (p.Ser1175Leu). This variant is present in population databases (no rsID available, gnomAD 0.003%). This variant has not been reported in the literature in individuals affected with PCARE-related conditions. ClinVar contains an entry for this variant (Variation ID: 1035099). Algorithms developed to predict the effect of missense changes on protein structure and function output the following: SIFT: "Not Available"; PolyPhen-2: "Possibly Damaging"; Align-GVGD: "Not Available". The leucine amino acid residue is found in multiple mammalian species, which suggests that this missense change does not adversely affect protein function. In summary, the available evidence is currently insufficient to determine the role of this variant in disease. Therefore, it has been classified as a Variant of Uncertain Significance.

NM_001029883.3(PCARE):c.3524C>T (p.Ser1175Leu)

Gene: PCARE (photoreceptor cilium actin regulator; minus strand). Cytogenetic location: 2p23.2.
Variant type: single nucleotide variant.
Coding change: c.3524C>T on transcript NM_001029883.3 (MANE Select); coding-DNA position 3524, C replaced by T.
Protein change: p.Ser1175Leu; replaces serine 1175 with leucine.
Molecular consequence: missense variant.
Genome position (GRCh38, 1-based): chr2:29,070,738, G>A on the plus strand (C>T on the coding strand, the complement: PCARE is on the minus strand). VCF-style: chr2-29070738-G-A. GRCh37 (hg19) VCF-style: chr2-29293604-G-A.
Other names: short protein forms S1175L.
Identifiers: ClinVar variation 1035099 (VCV001035099.8), dbSNP rs1243777937, ClinGen allele CA346474624.